The following is an entry in ClinVar:

ClinVar aggregate classification (germline): Uncertain significance (1 of 4 stars; one submission).

Allele frequency attached by ClinVar (database versions not stated): TOPMed below 0.00001; gnomAD exomes 0.00003; ExAC 0.00004; gnomAD 0.00010.
gnomAD v4.1: 55 of 1,570,216 alleles (0.0035%); no homozygotes.

Submission:

Labcorp Genetics (formerly Invitae), Labcorp
Classification: Uncertain significance. Last evaluated: 2022-07-15. Review status: criteria provided, single submitter. Criteria: Invitae Variant Classification Sherloc (09022015). Collection method: clinical testing. Allele origin: germline.
Comment: This variant has not been reported in the literature in individuals affected with TBCK-related conditions. This variant is present in population databases (rs199502033, gnomAD 0.06%). This sequence change replaces isoleucine, which is neutral and non-polar, with threonine, which is neutral and polar, at codon 312 of the TBCK protein (p.Ile312Thr). Algorithms developed to predict the effect of missense changes on protein structure and function output the following: SIFT: "Tolerated"; PolyPhen-2: "Benign"; Align-GVGD: "Class C0". The threonine amino acid residue is found in multiple mammalian species, which suggests that this missense change does not adversely affect protein function. In summary, the available evidence is currently insufficient to determine the role of this variant in disease. Therefore, it has been classified as a Variant of Uncertain Significance.

NM_001163435.3(TBCK):c.935T>C (p.Ile312Thr)

Gene: TBCK (TBC1 domain containing kinase; minus strand). Cytogenetic location: 4q24.
Variant type: single nucleotide variant.
Coding change: c.935T>C on transcript NM_001163435.3 (MANE Select); coding-DNA position 935, T replaced by C.
Protein change: p.Ile312Thr; replaces isoleucine 312 with threonine.
Molecular consequence: missense variant.
Genome position (GRCh38, 1-based): chr4:106,244,761, A>G on the plus strand (T>C on the coding strand, the complement: TBCK is on the minus strand). VCF-style: chr4-106244761-A-G. GRCh37 (hg19) VCF-style: chr4-107165918-A-G.
Other names: c.935T>C, p.Ile312Thr (NM_001163436.4); c.818T>C, p.Ile273Thr (NM_001163437.3); c.419T>C, p.Ile140Thr (NM_001290768.2); c.746T>C, p.Ile249Thr (NM_033115.5); short protein forms I140T, I249T, I273T, I312T.
Identifiers: ClinVar variation 1715383 (VCV001715383.4), dbSNP rs199502033, ClinGen allele CA3035231.